The following is an entry in ClinVar:

NM_001060.6(TBXA2R):c.*116C>A

Gene: TBXA2R (thromboxane A2 receptor; minus strand). Cytogenetic location: 19p13.3.
Variant type: single nucleotide variant.
Coding change: c.*116C>A on transcript NM_001060.6 (MANE Select); 116 bases downstream of the stop codon, C replaced by A.
Molecular consequence: 3 prime UTR variant. On other transcripts: intron variant (1).
Genome position (GRCh38, 1-based): chr19:3,595,572, G>T on the plus strand (C>A on the coding strand, the complement: TBXA2R is on the minus strand). VCF-style: chr19-3595572-G-T. GRCh37 (hg19) VCF-style: chr19-3595570-G-T.
Other names: c.983+165C>A (NM_201636.3).
Identifiers: ClinVar variation 4687721 (VCV004687721.1).
Genomic context (GRCh38, chr19:3,595,572, plus strand): 5'-GATCAGGGAGGAGTTGGGGGTCCCCGGGTTGGATTGGGGTCAACCCAAAACCCTGCTGCT[G>T]ATGCCCACTGTCCATCCAGCACCCCCAGCCCCTGAATCCTCAGAACAGGCAGATGGGCTG-3'

ClinVar aggregate classification (germline): Uncertain significance (1 of 4 stars; one submission).

gnomAD v4.1: 74 of 1,452,168 alleles (0.0051%); highest among the groups gnomAD compares: African/African-American, 0.098%; no homozygotes.

Submission:

Women's Health and Genetics/Laboratory Corporation of America, LabCorp
Classification: Uncertain significance. Last evaluated: 2025-10-27. Review status: criteria provided, single submitter. Criteria: LabCorp Variant Classification Summary - May 2015. Collection method: clinical testing. Allele origin: germline.
Comment: Variant summary: TBXA2R c.*116C>A is located in the untranslated mRNA region downstream of the termination codon. The variant allele was found at a frequency of 8.3e-05 in 72594 control chromosomes. The available data on variant occurrences in the general population are insufficient to allow any conclusion about variant significance. To our knowledge, no occurrence of c.*116C>A in individuals affected with TBXA2R-related conditions and no experimental evidence demonstrating its impact on protein function have been reported. No submitters have cited clinical-significance assessments for this variant to ClinVar. Based on the evidence outlined above, the variant was classified as uncertain significance.